The following is an entry in ClinVar:

ClinVar aggregate classification (germline): Uncertain significance (1 of 4 stars; one submission).

Conditions:
Early-infantile DEE. Also called: Early infantile epileptic encephalopathy; Early infantile epileptic encephalopathy with suppression bursts; Ohtahara syndrome. Identifiers: Orphanet 1934, MedGen C0393706, MONDO:0800491.

Submission:

Labcorp Genetics (formerly Invitae), Labcorp
Classification: Uncertain significance for Early-infantile DEE. Last evaluated: 2025-04-14. Review status: criteria provided, single submitter. Criteria: Invitae Variant Classification Sherloc (09022015). Collection method: clinical testing. Allele origin: germline.
Comment: This sequence change replaces asparagine, which is neutral and polar, with histidine, which is basic and polar, at codon 1253 of the SPTAN1 protein (p.Asn1253His). This variant is not present in population databases (gnomAD no frequency). This variant has not been reported in the literature in individuals affected with SPTAN1-related conditions. Invitae Evidence Modeling of protein sequence and biophysical properties (such as structural, functional, and spatial information, amino acid conservation, physicochemical variation, residue mobility, and thermodynamic stability) has been performed for this missense variant. However, the output from this modeling did not meet the statistical confidence thresholds required to predict the impact of this variant on SPTAN1 protein function. In summary, the available evidence is currently insufficient to determine the role of this variant in disease. Therefore, it has been classified as a Variant of Uncertain Significance.

NM_001130438.3(SPTAN1):c.3757A>C (p.Asn1253His)

Gene: SPTAN1 (spectrin alpha, non-erythrocytic 1; plus strand). Cytogenetic location: 9q34.11.
Variant type: single nucleotide variant.
Coding change: c.3757A>C on transcript NM_001130438.3 (MANE Select); coding-DNA position 3757, A replaced by C.
Protein change: p.Asn1253His; replaces asparagine 1253 with histidine.
Molecular consequence: missense variant.
Genome position (GRCh38, 1-based): chr9:128,605,071, A>C. VCF-style: chr9-128605071-A-C. GRCh37 (hg19) VCF-style: chr9-131367350-A-C.
Other names: c.3697A>C, p.Asn1233His (NM_001195532.2, NM_001363765.2, NM_001375314.2 and 3 more transcripts); c.3757A>C, p.Asn1253His (NM_001363759.2, NM_001375310.1, NM_001375311.2 and 4 more transcripts); c.3793A>C, p.Asn1265His (NM_001375312.2, NM_001375318.1, NM_001438440.1); short protein forms N1233H, N1253H, N1265H.
Identifiers: ClinVar variation 4801849 (VCV004801849.1).
Genomic context (GRCh38, chr9:128,605,071, plus strand): 5'-ACCTGAATGTGTCTCGCCTTTAGAGATGCTGATGAAACCAAAGAATGGATTGAAGAGAAG[A>C]ATCAAGCTCTAAACACAGACAATTATGGACATGATCTCGCCAGTGTCCAGGCCCTGCAAC-3'
Protein context (NP_001123910.1, residues 1243-1263): DETKEWIEEK[Asn1253His]QALNTDNYGH